The following is an entry in ClinVar:

NM_025114.4(CEP290):c.7150A>G (p.Lys2384Glu)

Gene: CEP290 (centrosomal protein 290; minus strand). Cytogenetic location: 12q21.32.
Variant type: single nucleotide variant.
Coding change: c.7150A>G on transcript NM_025114.4 (MANE Select); coding-DNA position 7150, A replaced by G.
Protein change: p.Lys2384Glu; replaces lysine 2384 with glutamic acid.
Molecular consequence: missense variant.
Genome position (GRCh38, 1-based): chr12:88,050,413, T>C on the plus strand (A>G on the coding strand, the complement: CEP290 is on the minus strand). VCF-style: chr12-88050413-T-C. GRCh37 (hg19) VCF-style: chr12-88444190-T-C.
Other names: short protein forms K2384E.
Identifiers: ClinVar variation 2165217 (VCV002165217.1), dbSNP rs1235516395, ClinGen allele CA385973817.
Genomic context (GRCh38, chr12:88,050,413, plus strand): 5'-CCTTCAAATGCTGCTTTTCTAGATCTGACATTTTGAGCTGTGTCTCTAGATCTTTTATTT[T>C]TTCCTTTAGTTGATCAGCATCTGTTGAAAAAGTCATACAAATTAGACTCAGCTTTTTCCC-3'
Protein context (NP_079390.3, residues 2374-2394): TIPDADQLKE[Lys2384Glu]IKDLETQLKM

ClinVar aggregate classification (germline): Uncertain significance (1 of 4 stars; one submission).

Conditions:
Joubert syndrome. Also called: CEREBELLOPARENCHYMAL DISORDER IV; JOUBERT-BOLTSHAUSER SYNDROME; Familial aplasia of the vermis. Identifiers: Orphanet 475, MedGen C5979921, MONDO:0018772.
Nephronophthisis. Also called: Juvenile Nephronophthisis. Identifiers: Orphanet 655, MedGen C0687120, MONDO:0019005, HP:0000090.
Meckel-Gruber syndrome. Also called: DYSENCEPHALIA SPLANCHNOCYSTICA; GRUBER SYNDROME; Dysencephalia splachnocystica. Identifiers: Orphanet 564, MedGen C0265215, MONDO:0018921.

Allele frequency attached by ClinVar (database versions not stated): TOPMed below 0.00001.

Submission:

Labcorp Genetics (formerly Invitae), Labcorp
Classification: Uncertain significance for Joubert syndrome; Meckel-Gruber syndrome; Nephronophthisis. Last evaluated: 2022-05-04. Review status: criteria provided, single submitter. Criteria: Invitae Variant Classification Sherloc (09022015). Collection method: clinical testing. Allele origin: germline.
Comment: This sequence change replaces lysine, which is basic and polar, with glutamic acid, which is acidic and polar, at codon 2384 of the CEP290 protein (p.Lys2384Glu). This variant is not present in population databases (gnomAD no frequency). This variant has not been reported in the literature in individuals affected with CEP290-related conditions. Algorithms developed to predict the effect of missense changes on protein structure and function (SIFT, PolyPhen-2, Align-GVGD) all suggest that this variant is likely to be tolerated. In summary, the available evidence is currently insufficient to determine the role of this variant in disease. Therefore, it has been classified as a Variant of Uncertain Significance.